The following is an entry in ClinVar:

NM_001143820.2(ETS1):c.921C>T (p.Arg307=)

Gene: ETS1 (ETS proto-oncogene 1, transcription factor; minus strand). Cytogenetic location: 11q24.3.
Variant type: single nucleotide variant.
Coding change: c.921C>T on transcript NM_001143820.2 (MANE Select); coding-DNA position 921, C replaced by T.
Protein change: p.Arg307=; no amino-acid change (arginine 307 retained).
Molecular consequence: synonymous variant. On other transcripts: intron variant (1).
Genome position (GRCh38, 1-based): chr11:128,480,393, G>A on the plus strand (C>T on the coding strand, the complement: ETS1 is on the minus strand). VCF-style: chr11-128480393-G-A. GRCh37 (hg19) VCF-style: chr11-128350288-G-A.
Other names: c.141C>T, p.Arg47= (NM_001162422.2); c.789C>T, p.Arg263= (NM_005238.4); c.730+4430C>T (NM_001330451.2).
Identifiers: ClinVar variation 715411 (VCV000715411.21), dbSNP rs118149282, ClinGen allele CA6356527.
Genomic context (GRCh38, chr11:128,480,393, plus strand): 5'-ATAGGAGGGAACACGCTGCAGGCTGTTGAAAGATGACTGGCTGCTCCAGGACTGGGTGAG[G>A]CGATCACAACTATCGTAGCTCTCTATGCTTTCAAAAGAGTCCTGGCCCCCGAGTTTACCT-3'
Protein context (NP_001137292.1, residues 297-317): ESIESYDSCD[Arg307=]LTQSWSSQSS

ClinVar aggregate classification (germline): Benign. Review status: criteria provided, multiple submitters, no conflicts (2 of 4 stars). 3 submissions from 3 submitters: Benign (3). Last evaluated 2026-09-01.

Allele frequency attached by ClinVar (database versions not stated): 1000 Genomes Project 30x 0.00344; 1000 Genomes Project 0.00379; TOPMed 0.00592; gnomAD 0.00703 and 0.00706; ESP Exome Variant Server 0.00746.
gnomAD v4.1: 15,272 of 1,614,070 alleles (0.95%); highest among the groups gnomAD compares: Non-Finnish European, 1.1%; 90 homozygotes.

Submissions (3):

CeGaT Center for Human Genetics Tuebingen
Classification: Benign. Last evaluated: 2026-09-01. Review status: criteria provided, single submitter. Criteria: CeGaT Center For Human Genetics Tuebingen Variant Classification Criteria Version 2. Collection method: clinical testing. Allele origin: germline. Affected: yes. Observed: 4 variant alleles.
Comment: ETS1: BP4, BS1, BS2

Labcorp Genetics (formerly Invitae), Labcorp
Classification: Benign. Last evaluated: 2019-12-31. Review status: criteria provided, single submitter. Criteria: Invitae Variant Classification Sherloc (09022015). Collection method: clinical testing. Allele origin: germline.

Breakthrough Genomics
Classification: Benign. Review status: criteria provided, single submitter. Criteria: ACMG Guidelines, 2015. Collection method: not provided. Allele origin: germline. Inheritance: Unknown mechanism. Affected: yes.